The following is an entry in ClinVar:

NM_052947.4(ALPK2):c.1109G>T (p.Cys370Phe)

Genes: ALPK2 (alpha kinase 2; minus strand), LOC114803473 (ALPK2 eExon liver enhancer; plus strand). Cytogenetic location: 18q21.31.
Variant type: single nucleotide variant.
Coding change: c.1109G>T on transcript NM_052947.4 (MANE Select); coding-DNA position 1109, G replaced by T.
Protein change: p.Cys370Phe; replaces cysteine 370 with phenylalanine.
Molecular consequence: missense variant.
Genome position (GRCh38, 1-based): chr18:58,579,667, C>A on the plus strand (G>T on the coding strand, the complement: ALPK2 is on the minus strand). VCF-style: chr18-58579667-C-A. GRCh37 (hg19) VCF-style: chr18-56246899-C-A.
Other names: short protein forms C370F.
Identifiers: ClinVar variation 1794584 (VCV001794584.3), dbSNP rs1471987455, ClinGen allele CA402564667.

ClinVar aggregate classification (germline): Uncertain significance (1 of 4 stars; one submission).

Allele frequency attached by ClinVar (database versions not stated): gnomAD exomes below 0.00001; gnomAD 0.00001.
gnomAD v4.1: 6 of 1,614,104 alleles (0.00037%); highest among the groups gnomAD compares: African/African-American, 0.004%; no homozygotes.

Submission:

Ambry Genetics
Classification: Uncertain significance. Last evaluated: 2024-08-26. Review status: criteria provided, single submitter. Criteria: Ambry Variant Classification Scheme 2023. Collection method: clinical testing. Allele origin: germline.
Comment: The p.C370F variant (also known as c.1109G>T), located in coding exon 3 of the ALPK2 gene, results from a G to T substitution at nucleotide position 1109. The cysteine at codon 370 is replaced by phenylalanine, an amino acid with highly dissimilar properties. This amino acid position is conserved. In addition, this alteration is predicted to be tolerated by in silico analysis. Since supporting evidence is limited at this time, the clinical significance of this alteration remains unclear.